The following is an entry in ClinVar:

ClinVar aggregate classification (germline): Likely pathogenic (1 of 4 stars; one submission).

Conditions:
Muscular dystrophy-dystroglycanopathy (congenital with impaired intellectual development), type B, 2. Also called: MUSCULAR DYSTROPHY, CONGENITAL, POMT2-RELATED; Muscular dystrophy-dystroglycanopathy (congenital with intellectual disability), type B2. Identifiers: MedGen C3150416, MONDO:0013160, OMIM 613156.
Muscular dystrophy-dystroglycanopathy (congenital with brain and eye anomalies), type A2. Also called: MUSCULAR DYSTROPHY-DYSTROGLYCANOPATHY (CONGENITAL WITH BRAIN AND EYE ANOMALIES), TYPE A, 2; WALKER-WARBURG SYNDROME OR MUSCLE-EYE-BRAIN DISEASE, POMT2-RELATED. Identifiers: Orphanet 588, Orphanet 899, MedGen C3150411, MONDO:0013154, OMIM 613150.
Autosomal recessive limb-girdle muscular dystrophy type 2N. Also called: MUSCULAR DYSTROPHY-DYSTROGLYCANOPATHY, LIMB-GIRDLE, POMT2-RELATED; Muscular dystrophy-dystroglycanopathy (limb-girdle), type C, 2. Identifiers: Orphanet 206559, MedGen C3150418, MONDO:0013162, OMIM 613158.

Allele frequency attached by ClinVar (database versions not stated): gnomAD exomes below 0.00001.
gnomAD v4.1: 2 of 1,606,242 alleles (0.00012%); highest among the groups gnomAD compares: East Asian, 0.0022%; no homozygotes.

Submission:

Labcorp Genetics (formerly Invitae), Labcorp
Classification: Likely pathogenic for Muscular dystrophy-dystroglycanopathy (congenital with impaired intellectual development), type B, 2; Muscular dystrophy-dystroglycanopathy (congenital with brain and eye anomalies), type A2; Autosomal recessive limb-girdle muscular dystrophy type 2N. Last evaluated: 2023-07-03. Review status: criteria provided, single submitter. Criteria: Invitae Variant Classification Sherloc (09022015). Collection method: clinical testing. Allele origin: germline.
Comment: This sequence change affects an acceptor splice site in intron 4 of the POMT2 gene. It is expected to disrupt RNA splicing. Variants that disrupt the donor or acceptor splice site typically lead to a loss of protein function (PMID: 16199547), and loss-of-function variants in POMT2 are known to be pathogenic (PMID: 15894594). The frequency data for this variant in the population databases is considered unreliable, as metrics indicate poor data quality at this position in the gnomAD database. This variant has not been reported in the literature in individuals affected with POMT2-related conditions. Algorithms developed to predict the effect of sequence changes on RNA splicing suggest that this variant may disrupt the consensus splice site. In summary, the currently available evidence indicates that the variant is pathogenic, but additional data are needed to prove that conclusively. Therefore, this variant has been classified as Likely Pathogenic.

Literature cited by the submitters: PubMed 16199547; PubMed 15894594.

NM_013382.7(POMT2):c.548-2A>G

Gene: POMT2 (protein O-mannosyltransferase 2; minus strand). Cytogenetic location: 14q24.3.
Variant type: single nucleotide variant.
Coding change: c.548-2A>G on transcript NM_013382.7 (MANE Select); the canonical splice acceptor site of the intron before coding-DNA position 548, A replaced by G.
Molecular consequence: splice acceptor variant.
Genome position (GRCh38, 1-based): chr14:77,302,945, T>C on the plus strand (A>G on the coding strand, the complement: POMT2 is on the minus strand). VCF-style: chr14-77302945-T-C. GRCh37 (hg19) VCF-style: chr14-77769288-T-C.
Identifiers: ClinVar variation 2936998 (VCV002936998.3), dbSNP rs1343361571, ClinGen allele CA390520658.